The following is an entry in ClinVar:

NM_001130438.3(SPTAN1):c.7401C>A (p.Tyr2467Ter)

Gene: SPTAN1 (spectrin alpha, non-erythrocytic 1; plus strand). Cytogenetic location: 9q34.11.
Variant type: single nucleotide variant.
Coding change: c.7401C>A on transcript NM_001130438.3 (MANE Select); coding-DNA position 7401, C replaced by A.
Protein change: p.Tyr2467Ter; replaces tyrosine 2467 with a stop codon.
Molecular consequence: nonsense.
Genome position (GRCh38, 1-based): chr9:128,633,301, C>A. VCF-style: chr9-128633301-C-A. GRCh37 (hg19) VCF-style: chr9-131395580-C-A.
Other names: c.7326C>A, p.Tyr2442Ter (NM_001195532.2); c.7464C>A, p.Tyr2488Ter (NM_001363759.2); c.7341C>A, p.Tyr2447Ter (NM_001363765.2, NM_001375314.2); c.7488C>A, p.Tyr2496Ter (NM_001375310.1); c.7401C>A, p.Tyr2467Ter (NM_001375311.2); c.7437C>A, p.Tyr2479Ter (NM_001375312.2); c.7383C>A, p.Tyr2461Ter (NM_001375313.1); c.7500C>A, p.Tyr2500Ter (NM_001375318.1); and 1 more; short protein forms Y2462*, Y2467*, Y2442*, Y2461*, Y2479*, Y2488*, Y2496*, Y2500*.
Identifiers: ClinVar variation 2027823 (VCV002027823.4), dbSNP rs766927132, ClinGen allele CA375103935.

ClinVar aggregate classification (germline): Uncertain significance (1 of 4 stars; one submission).

Conditions:
Early-infantile DEE. Also called: Ohtahara syndrome; Early infantile epileptic encephalopathy with suppression bursts; Early infantile epileptic encephalopathy. Identifiers: Orphanet 1934, MedGen C0393706, MONDO:0800491.

Submission:

Labcorp Genetics (formerly Invitae), Labcorp
Classification: Uncertain significance for Early-infantile DEE. Last evaluated: 2022-10-03. Review status: criteria provided, single submitter. Criteria: Invitae Variant Classification Sherloc (09022015). Collection method: clinical testing. Allele origin: germline.
Comment: This variant is not present in population databases (gnomAD no frequency). In summary, the available evidence is currently insufficient to determine the role of this variant in disease. Therefore, it has been classified as a Variant of Uncertain Significance. Experimental studies and prediction algorithms are not available or were not evaluated, and the functional significance of this variant is currently unknown. This variant has not been reported in the literature in individuals affected with SPTAN1-related conditions. This sequence change creates a premature translational stop signal (p.Tyr2467*) in the SPTAN1 gene. While this is not anticipated to result in nonsense mediated decay, it is expected to disrupt the last 11 amino acid(s) of the SPTAN1 protein.